The following is an entry in ClinVar:

ClinVar aggregate classification (germline): Uncertain significance (1 of 4 stars; one submission).

Allele frequency attached by ClinVar (database versions not stated): TOPMed below 0.00001; gnomAD 0.00001; gnomAD exomes 0.00002; ExAC 0.00004.

Submission:

Labcorp Genetics (formerly Invitae), Labcorp
Classification: Uncertain significance. Last evaluated: 2023-05-28. Review status: criteria provided, single submitter. Criteria: Invitae Variant Classification Sherloc (09022015). Collection method: clinical testing. Allele origin: germline.
Comment: In summary, the available evidence is currently insufficient to determine the role of this variant in disease. Therefore, it has been classified as a Variant of Uncertain Significance. An algorithm developed to predict the effect of missense changes on protein structure and function (PolyPhen-2) suggests that this variant is likely to be disruptive. This variant has not been reported in the literature in individuals affected with NOG-related conditions. This variant is present in population databases (rs766861857, gnomAD 0.01%). This sequence change replaces threonine, which is neutral and polar, with methionine, which is neutral and non-polar, at codon 201 of the NOG protein (p.Thr201Met).

NM_005450.6(NOG):c.602C>T (p.Thr201Met)

Gene: NOG (noggin; plus strand). Cytogenetic location: 17q22.
Variant type: single nucleotide variant.
Coding change: c.602C>T on transcript NM_005450.6 (MANE Select); coding-DNA position 602, C replaced by T.
Protein change: p.Thr201Met; replaces threonine 201 with methionine.
Molecular consequence: missense variant.
Genome position (GRCh38, 1-based): chr17:56,594,825, C>T. VCF-style: chr17-56594825-C-T. GRCh37 (hg19) VCF-style: chr17-54672186-C-T.
Other names: short protein forms T201M.
Identifiers: ClinVar variation 3021801 (VCV003021801.3), dbSNP rs766861857, ClinGen allele CA8663227.